The following is an entry in ClinVar:

NM_000256.3(MYBPC3):c.721G>A (p.Val241Met)

Gene: MYBPC3 (myosin binding protein C3; minus strand). Cytogenetic location: 11p11.2.
Variant type: single nucleotide variant.
Coding change: c.721G>A on transcript NM_000256.3 (MANE Select); coding-DNA position 721, G replaced by A.
Protein change: p.Val241Met; replaces valine 241 with methionine.
Molecular consequence: missense variant.
Genome position (GRCh38, 1-based): chr11:47,348,475, C>T on the plus strand (G>A on the coding strand, the complement: MYBPC3 is on the minus strand). VCF-style: chr11-47348475-C-T. GRCh37 (hg19) VCF-style: chr11-47370026-C-T.
Other names: c.721G>A, p.Val241Met (LRG_386t1); short protein forms V241M.
Identifiers: ClinVar variation 418351 (VCV000418351.13), dbSNP rs886039000, ClinGen allele CA16619344.

ClinVar aggregate classification (germline): Uncertain significance. Review status: criteria provided, multiple submitters, no conflicts (2 of 4 stars). 6 submissions from 6 submitters: Uncertain significance (6). Last evaluated 2025-07-11.

Conditions:
Cardiovascular phenotype. Identifiers: MedGen CN230736.
Left ventricular noncompaction 10 (LVNC10). Identifiers: Orphanet 154, Orphanet 54260, MedGen C3715165, MONDO:0014163, OMIM 615396.
Hypertrophic cardiomyopathy 4. Also called: Familial hypertrophic cardiomyopathy 4. Identifiers: MedGen C1861862, MONDO:0007268, OMIM 115197.
Cardiomyopathy (CMYO). Also called: Cardiomyopathies. Identifiers: Orphanet 167848, MedGen C0878544, MONDO:0004994, HP:0001638. Inheritance: Various modes of inheritance.
Hypertrophic cardiomyopathy. Also called: HYPERTROPHIC MYOCARDIOPATHY. Identifiers: Orphanet 217569, MedGen C0007194, MeSH D002312, MONDO:0005045, HP:0001639.

Allele frequency attached by ClinVar (database versions not stated): TOPMed 0.00001.

Submissions (6):

Color Diagnostics, LLC DBA Color Health
Classification: Uncertain significance for Cardiomyopathy. Last evaluated: 2025-07-11. Review status: criteria provided, single submitter. Criteria: ACMG Guidelines, 2015. Collection method: clinical testing. Allele origin: germline.
Comment: This missense variant replaces valine with methionine at codon 241 of the MYBPC3 protein. Computational prediction suggests that this variant may have a deleterious impact on protein structure and function. To our knowledge, functional studies have not been reported for this variant. This variant has not been reported in individuals affected with MYBPC3-related disorders in the literature. This variant has not been identified in the general population by the Genome Aggregation Database (gnomAD). The available evidence is insufficient to determine the role of this variant in disease conclusively. Therefore, this variant is classified as a Variant of Uncertain Significance.

Labcorp Genetics (formerly Invitae), Labcorp
Classification: Uncertain significance for Hypertrophic cardiomyopathy. Last evaluated: 2024-11-06. Review status: criteria provided, single submitter. Criteria: Invitae Variant Classification Sherloc (09022015). Collection method: clinical testing. Allele origin: germline.
Comment: This sequence change replaces valine, which is neutral and non-polar, with methionine, which is neutral and non-polar, at codon 241 of the MYBPC3 protein (p.Val241Met). This variant is not present in population databases (gnomAD no frequency). This variant has not been reported in the literature in individuals affected with MYBPC3-related conditions. ClinVar contains an entry for this variant (Variation ID: 418351). An algorithm developed to predict the effect of missense changes on protein structure and function (PolyPhen-2) suggests that this variant is likely to be disruptive. In summary, the available evidence is currently insufficient to determine the role of this variant in disease. Therefore, it has been classified as a Variant of Uncertain Significance.

Ambry Genetics
Classification: Uncertain significance for Cardiovascular phenotype. Last evaluated: 2024-07-19. Review status: criteria provided, single submitter. Criteria: Ambry Variant Classification Scheme 2023. Collection method: clinical testing. Allele origin: germline.
Comment: The p.V241M variant (also known as c.721G>A), located in coding exon 6 of the MYBPC3 gene, results from a G to A substitution at nucleotide position 721. The valine at codon 241 is replaced by methionine, an amino acid with highly similar properties. This amino acid position is highly conserved in available vertebrate species. In addition, this alteration is predicted to be deleterious by in silico analysis. Based on the available evidence, the clinical significance of this variant remains unclear.

All of Us Research Program, National Institutes of Health
Classification: Uncertain significance for Hypertrophic cardiomyopathy. Last evaluated: 2023-08-23. Review status: criteria provided, single submitter. Criteria: ACMG Guidelines, 2015. Collection method: clinical testing. Allele origin: germline. Inheritance: Autosomal dominant inheritance. Observed: 1 variant allele, 1 heterozygote.
Comment: This missense variant replaces valine with methionine at codon 241 of the MYBPC3 protein. Computational prediction is inconclusive regarding the impact of this variant on protein structure and function (internally defined REVEL score threshold 0.5 < inconclusive < 0.7, PMID: 27666373). To our knowledge, functional studies have not been reported for this variant. This variant has not been reported in individuals affected with MYBPC3-related disorders in the literature. This variant has not been identified in the general population by the Genome Aggregation Database (gnomAD). The available evidence is insufficient to determine the role of this variant in disease conclusively. Therefore, this variant is classified as a Variant of Uncertain Significance.

This study involves interpretation of variants in research participants for the purpose of population health screening. Participant phenotype was not available at the time of variant classification. Additional details can be found in publication PMID: 35346344, PMCID: PMC8962531

Fulgent Genetics
Classification: Uncertain significance for Hypertrophic cardiomyopathy 4; Left ventricular noncompaction 10. Last evaluated: 2021-11-21. Review status: criteria provided, single submitter. Criteria: ACMG Guidelines, 2015. Collection method: clinical testing. Allele origin: unknown.

GeneDx
Classification: Uncertain significance. Last evaluated: 2018-10-29. Review status: criteria provided, single submitter. Criteria: GeneDx Variant Classification (06012015). Collection method: clinical testing. Allele origin: germline. Affected: yes.
Comment: The V241M variant has not been published as a pathogenic variant or been reported as a benign polymorphism to our knowledge. The V241M variant was not observed in approximately 6,300 individuals of European and African American ancestry in the NHLBI Exome Sequencing Project, indicating it is not a common benign variant in these populations. Although the V241M variant is a conservative amino acid substitution, which is not likely to impact secondary protein structure as these residues share similar properties; it is located in the Ig-like C2-type 1 functional domain of the MYBPC3 gene. This substitution occurs at a position that is well conserved across species. In silico analysis predicts this variant is probably damaging to the protein structure/function. Missense variants in nearby residues (Y237H, Y237C, Y237S, R238H, E240D, S242P) have been reported in Human Gene Mutation Database in association with cardiomyopathy (Stenson P et al., 2014), supporting the functional importance of this region of the protein. Therefore, based on the currently available information, it is unclear whether this variant is a pathogenic variant or a rare benign variant.